The following is an entry in ClinVar:

NM_004725.4(BUB3):c.911C>G (p.Thr304Arg)

Gene: BUB3 (BUB3 mitotic checkpoint protein; plus strand). Cytogenetic location: 10q26.13.
Variant type: single nucleotide variant.
Coding change: c.911C>G on transcript NM_004725.4 (MANE Select); coding-DNA position 911, C replaced by G.
Protein change: p.Thr304Arg; replaces threonine 304 with arginine.
Molecular consequence: missense variant.
Genome position (GRCh38, 1-based): chr10:123,162,768, C>G. VCF-style: chr10-123162768-C-G. GRCh37 (hg19) VCF-style: chr10-124922284-C-G.
Other names: c.911C>G, p.Thr304Arg (NM_001007793.3); short protein forms T304R.
Identifiers: ClinVar variation 2496825 (VCV002496825.2), dbSNP rs146645506, ClinGen allele CA5731686.

ClinVar aggregate classification (germline): Uncertain significance (1 of 4 stars; one submission).

Allele frequency attached by ClinVar (database versions not stated): gnomAD 0.00042; TOPMed 0.00047; ESP Exome Variant Server 0.00054; 1000 Genomes Project 0.00060; 1000 Genomes Project 30x 0.00078.
gnomAD v4.1: 116 of 1,613,956 alleles (0.0072%); highest among the groups gnomAD compares: African/African-American, 0.15%; 1 homozygote.

Submission:

Ambry Genetics
Classification: Uncertain significance. Last evaluated: 2022-11-26. Review status: criteria provided, single submitter. Criteria: Ambry Variant Classification Scheme 2023. Collection method: clinical testing. Allele origin: germline.
Comment: The p.T304R variant (also known as c.911C>G), located in coding exon 6 of the BUB3 gene, results from a C to G substitution at nucleotide position 911. The threonine at codon 304 is replaced by arginine, an amino acid with similar properties. This amino acid position is conserved. In addition, this alteration is predicted to be tolerated by in silico analysis. Since supporting evidence is limited at this time, the clinical significance of this alteration remains unclear.